The following is an entry in ClinVar:

ClinVar aggregate classification (germline): Uncertain significance. Review status: criteria provided, multiple submitters, no conflicts (2 of 4 stars). 2 submissions from 2 submitters: Uncertain significance (2). Last evaluated 2022-06-13.

Conditions:
Thyroid dyshormonogenesis 6 (TDH6). Also called: Genetic transient congenital hypothyroidism; HYPOTHYROIDISM, CONGENITAL, DUE TO DYSHORMONOGENESIS, 6; THYROID HORMONOGENESIS, GENETIC DEFECT IN, 6. Identifiers: Orphanet 226316, Orphanet 95716, MedGen C1846632, MONDO:0011792, OMIM 607200.

gnomAD v4.1: 3 of 1,614,194 alleles (0.00019%); highest among the groups gnomAD compares: Non-Finnish European, 0.00025%; no homozygotes.

Submissions (2):

Labcorp Genetics (formerly Invitae), Labcorp
Classification: Uncertain significance. Last evaluated: 2022-06-13. Review status: criteria provided, single submitter. Criteria: Invitae Variant Classification Sherloc (09022015). Collection method: clinical testing. Allele origin: germline.
Comment: This sequence change replaces leucine, which is neutral and non-polar, with valine, which is neutral and non-polar, at codon 479 of the DUOX2 protein (p.Leu479Val). This variant is not present in population databases (gnomAD no frequency). This variant has not been reported in the literature in individuals affected with DUOX2-related conditions. Advanced modeling of protein sequence and biophysical properties (such as structural, functional, and spatial information, amino acid conservation, physicochemical variation, residue mobility, and thermodynamic stability) performed at Invitae indicates that this missense variant is not expected to disrupt DUOX2 protein function. Algorithms developed to predict the effect of sequence changes on RNA splicing suggest that this variant may create or strengthen a splice site. In summary, the available evidence is currently insufficient to determine the role of this variant in disease. Therefore, it has been classified as a Variant of Uncertain Significance.

Revvity Omics, Revvity
Classification: Uncertain significance for Thyroid dyshormonogenesis 6. Last evaluated: 2021-08-13. Review status: criteria provided, single submitter. Criteria: ACMG Guidelines, 2015. Collection method: clinical testing. Allele origin: germline.

NM_001363711.2(DUOX2):c.1435C>G (p.Leu479Val)

Gene: DUOX2 (dual oxidase 2; minus strand). Cytogenetic location: 15q21.1.
Variant type: single nucleotide variant.
Coding change: c.1435C>G on transcript NM_001363711.2 (MANE Select); coding-DNA position 1435, C replaced by G.
Protein change: p.Leu479Val; replaces leucine 479 with valine.
Molecular consequence: missense variant.
Genome position (GRCh38, 1-based): chr15:45,108,186, G>C on the plus strand (C>G on the coding strand, the complement: DUOX2 is on the minus strand). VCF-style: chr15-45108186-G-C. GRCh37 (hg19) VCF-style: chr15-45400384-G-C.
Other names: c.1435C>G (NM_014080.4); c.1435C>G, p.Leu479Val (NM_014080.5); short protein forms L479V.
Identifiers: ClinVar variation 1474079 (VCV001474079.6), dbSNP rs1595526504, ClinGen allele CA392276630.